The following is an entry in ClinVar:

ClinVar aggregate classification (germline): Pathogenic (1 of 4 stars; one submission).

Conditions:
Sandhoff disease. Also called: GM2-GANGLIOSIDOSIS, TYPE II; HEXOSAMINIDASES A AND B DEFICIENCY; Beta-hexosaminidase-beta-subunit deficiency; GM2 gangliosidosis, type 2; Total hexosaminidase deficiency; Sandhoff-Jatzkewitz-Pilz disease. Identifiers: Orphanet 796, MedGen C0036161, MONDO:0010006, OMIM 268800.

Submission:

Labcorp Genetics (formerly Invitae), Labcorp
Classification: Pathogenic for Sandhoff disease. Last evaluated: 2021-01-01. Review status: criteria provided, single submitter. Criteria: Invitae Variant Classification Sherloc (09022015). Collection method: clinical testing. Allele origin: germline.
Comment: This variant is not present in population databases (ExAC no frequency). This variant has not been reported in the literature in individuals with HEXB-related conditions. This sequence change creates a premature translational stop signal (p.Arg435Metfs*21) in the HEXB gene. It is expected to result in an absent or disrupted protein product. Loss-of-function variants in HEXB are known to be pathogenic (PMID: 7550345, 18758829). For these reasons, this variant has been classified as Pathogenic.

Literature cited by the submitters: PubMed 7550345; PubMed 18758829.

NM_000521.4(HEXB):c.1303_1304insT (p.Arg435fs)

Gene: HEXB (hexosaminidase subunit beta; plus strand). Cytogenetic location: 5q13.3.
Variant type: Insertion.
Coding change: c.1303_1304insT on transcript NM_000521.4 (MANE Select); coding-DNA positions 1303 to 1304, T inserted.
Protein change: p.Arg435fs; shifts the reading frame from arginine 435.
Molecular consequence: frameshift variant.
Genome position: GRCh38 VCF-style: chr5-74718857-A-AT. GRCh37 (hg19) VCF-style: chr5-74014682-A-AT.
Other names: c.628_629insT, p.Arg210fs (NM_001292004.2); short protein forms R210fs, R435fs.
Identifiers: ClinVar variation 1458290 (VCV001458290.6), dbSNP rs2112180739, ClinGen allele CA2573139799.